The following is an entry in ClinVar:

ClinVar aggregate classification (germline): Uncertain significance (1 of 4 stars; one submission).

Conditions:
Brugada syndrome 8 (BRGDA8). Identifiers: Orphanet 130, MedGen C2751083, MONDO:0013148, OMIM 613123.

Submission:

Labcorp Genetics (formerly Invitae), Labcorp
Classification: Uncertain significance for Brugada syndrome 8. Last evaluated: 2024-11-05. Review status: criteria provided, single submitter. Criteria: Invitae Variant Classification Sherloc (09022015). Collection method: clinical testing. Allele origin: germline.
Comment: This sequence change replaces glycine, which is neutral and non-polar, with aspartic acid, which is acidic and polar, at codon 989 of the HCN4 protein (p.Gly989Asp). This variant is not present in population databases (gnomAD no frequency). This variant has not been reported in the literature in individuals affected with HCN4-related conditions. Invitae Evidence Modeling of protein sequence and biophysical properties (such as structural, functional, and spatial information, amino acid conservation, physicochemical variation, residue mobility, and thermodynamic stability) indicates that this missense variant is not expected to disrupt HCN4 protein function with a negative predictive value of 95%. In summary, the available evidence is currently insufficient to determine the role of this variant in disease. Therefore, it has been classified as a Variant of Uncertain Significance.

NM_005477.3(HCN4):c.2966G>A (p.Gly989Asp)

Gene: HCN4 (hyperpolarization activated cyclic nucleotide gated potassium channel 4; minus strand). Cytogenetic location: 15q24.1.
Variant type: single nucleotide variant.
Coding change: c.2966G>A on transcript NM_005477.3 (MANE Select); coding-DNA position 2966, G replaced by A.
Protein change: p.Gly989Asp; replaces glycine 989 with aspartic acid.
Molecular consequence: missense variant.
Genome position (GRCh38, 1-based): chr15:73,323,127, C>T on the plus strand (G>A on the coding strand, the complement: HCN4 is on the minus strand). VCF-style: chr15-73323127-C-T. GRCh37 (hg19) VCF-style: chr15-73615468-C-T.
Other names: short protein forms G989D.
Identifiers: ClinVar variation 3630552 (VCV003630552.2).